The following is an entry in ClinVar:

ClinVar aggregate classification (germline): Uncertain significance. Review status: criteria provided, multiple submitters, no conflicts (2 of 4 stars). 3 submissions from 3 submitters: Uncertain significance (3). Last evaluated 2024-04-03.

Conditions:
Interstitial lung disease due to ABCA3 deficiency. Also called: PULMONARY ALVEOLAR PROTEINOSIS, CONGENITAL, 3. Identifiers: Orphanet 440402, MedGen C1970456, MONDO:0012582, OMIM 610921.

Allele frequency attached by ClinVar (database versions not stated): gnomAD exomes 0.00007; ExAC 0.00008; 1000 Genomes Project 30x 0.00016; 1000 Genomes Project 0.00020; TOPMed 0.00021; gnomAD 0.00023 and 0.00024; ESP Exome Variant Server 0.00046.
gnomAD v4.1: 93 of 1,614,026 alleles (0.0058%); highest among the groups gnomAD compares: African/African-American, 0.06%; no homozygotes.

Submissions (3):

Labcorp Genetics (formerly Invitae), Labcorp
Classification: Uncertain significance. Last evaluated: 2024-04-03. Review status: criteria provided, single submitter. Criteria: Invitae Variant Classification Sherloc (09022015). Collection method: clinical testing. Allele origin: germline.
Comment: This sequence change replaces alanine, which is neutral and non-polar, with threonine, which is neutral and polar, at codon 631 of the ABCA3 protein (p.Ala631Thr). This variant is present in population databases (rs139738862, gnomAD 0.05%). This variant has not been reported in the literature in individuals affected with ABCA3-related conditions. ClinVar contains an entry for this variant (Variation ID: 522711). Advanced modeling of protein sequence and biophysical properties (such as structural, functional, and spatial information, amino acid conservation, physicochemical variation, residue mobility, and thermodynamic stability) performed at Invitae indicates that this missense variant is not expected to disrupt ABCA3 protein function with a negative predictive value of 80%. In summary, the available evidence is currently insufficient to determine the role of this variant in disease. Therefore, it has been classified as a Variant of Uncertain Significance.

Fulgent Genetics
Classification: Uncertain significance for Interstitial lung disease due to ABCA3 deficiency. Last evaluated: 2022-05-16. Review status: criteria provided, single submitter. Criteria: ACMG Guidelines, 2015. Collection method: clinical testing. Allele origin: unknown.

Genomic Research Center, Shahid Beheshti University of Medical Sciences
Classification: Uncertain significance for Surfactant metabolism dysfunction, pulmonary, 3. Last evaluated: 2019-01-01. Review status: criteria provided, single submitter. Criteria: ACMG Guidelines, 2015. Collection method: clinical testing. Allele origin: inherited. Affected: no. Observed: 3 variant alleles.

NM_001089.3(ABCA3):c.1891G>A (p.Ala631Thr)

Gene: ABCA3 (ATP binding cassette subfamily A member 3; minus strand). Cytogenetic location: 16p13.3.
Variant type: single nucleotide variant.
Coding change: c.1891G>A on transcript NM_001089.3 (MANE Select); coding-DNA position 1891, G replaced by A.
Protein change: p.Ala631Thr; replaces alanine 631 with threonine.
Molecular consequence: missense variant.
Genome position (GRCh38, 1-based): chr16:2,298,391, C>T on the plus strand (G>A on the coding strand, the complement: ABCA3 is on the minus strand). VCF-style: chr16-2298391-C-T. GRCh37 (hg19) VCF-style: chr16-2348392-C-T.
Other names: short protein forms A631T.
Identifiers: ClinVar variation 522711 (VCV000522711.7), dbSNP rs139738862, ClinGen allele CA7841060.